The following is an entry in ClinVar:

NM_001378457.1(DMXL2):c.421G>A (p.Asp141Asn)

Gene: DMXL2 (Dmx like 2; minus strand). Cytogenetic location: 15q21.2.
Variant type: single nucleotide variant.
Coding change: c.421G>A on transcript NM_001378457.1 (MANE Select); coding-DNA position 421, G replaced by A.
Protein change: p.Asp141Asn; replaces aspartic acid 141 with asparagine.
Molecular consequence: missense variant. On other transcripts: non-coding transcript variant (2).
Genome position (GRCh38, 1-based): chr15:51,564,204, C>T on the plus strand (G>A on the coding strand, the complement: DMXL2 is on the minus strand). VCF-style: chr15-51564204-C-T. GRCh37 (hg19) VCF-style: chr15-51856401-C-T.
Other names: c.421G>A, p.Asp141Asn (NM_001174116.3, NM_001174117.3, NM_001378458.1 and 7 more transcripts); short protein forms D141N.
Identifiers: ClinVar variation 1996728 (VCV001996728.2), dbSNP rs1194409643, ClinGen allele CA392756423.

ClinVar aggregate classification (germline): Uncertain significance (1 of 4 stars; one submission).

Submission:

Labcorp Genetics (formerly Invitae), Labcorp
Classification: Uncertain significance. Last evaluated: 2022-07-07. Review status: criteria provided, single submitter. Criteria: Invitae Variant Classification Sherloc (09022015). Collection method: clinical testing. Allele origin: germline.
Comment: In summary, the available evidence is currently insufficient to determine the role of this variant in disease. Therefore, it has been classified as a Variant of Uncertain Significance. Algorithms developed to predict the effect of missense changes on protein structure and function are either unavailable or do not agree on the potential impact of this missense change (SIFT: "Tolerated"; PolyPhen-2: "Possibly Damaging"; Align-GVGD: "Class C0"). This variant has not been reported in the literature in individuals affected with DMXL2-related conditions. This variant is not present in population databases (gnomAD no frequency). This sequence change replaces aspartic acid, which is acidic and polar, with asparagine, which is neutral and polar, at codon 141 of the DMXL2 protein (p.Asp141Asn).